The following is an entry in ClinVar:

NM_000218.3(KCNQ1):c.1514+15484T>C

Genes: KCNQ1 (potassium voltage-gated channel subfamily Q member 1; plus strand), KCNQ1OT1 (KCNQ1 opposite strand/antisense transcript 1; minus strand). Cytogenetic location: 11p15.5.
Variant type: single nucleotide variant.
Coding change: c.1514+15484T>C on transcript NM_000218.3 (MANE Select); 15484 bases into the intron after coding-DNA position 1514, T replaced by C.
Molecular consequence: intron variant. On other transcripts: non-coding transcript variant (1).
Genome position (GRCh38, 1-based): chr11:2,677,565, T>C. VCF-style: chr11-2677565-T-C. GRCh37 (hg19) VCF-style: chr11-2698795-T-C.
Other names: c.1244+15484T>C (NM_001406837.1); c.1418+15484T>C (NM_001406836.1); c.974+15484T>C (NM_001406838.1); c.1133+15484T>C (NM_181798.2).
Identifiers: ClinVar variation 5039626 (VCV005039626.1).

ClinVar aggregate classification (germline): Likely benign (1 of 4 stars; one submission).

gnomAD v4.1: 26 of 398,630 alleles (0.0065%); highest among the groups gnomAD compares: South Asian, 0.31%; no homozygotes.

Submission:

CeGaT Center for Human Genetics Tuebingen
Classification: Likely benign. Last evaluated: 2026-06-01. Review status: criteria provided, single submitter. Criteria: CeGaT Center For Human Genetics Tuebingen Variant Classification Criteria Version 2. Collection method: clinical testing. Allele origin: germline. Affected: yes. Observed: 1 variant allele.
Comment: KCNQ1OT1: BS1